The following is an entry in ClinVar:

ClinVar aggregate classification (germline): Pathogenic (1 of 4 stars; one submission).

Allele frequency attached by ClinVar (database versions not stated): TOPMed below 0.00001.

Submission:

Labcorp Genetics (formerly Invitae), Labcorp
Classification: Pathogenic. Last evaluated: 2023-11-14. Review status: criteria provided, single submitter. Criteria: Invitae Variant Classification Sherloc (09022015). Collection method: clinical testing. Allele origin: germline.
Comment: This sequence change creates a premature translational stop signal (p.Tyr315*) in the LAMC2 gene. It is expected to result in an absent or disrupted protein product. Loss-of-function variants in LAMC2 are known to be pathogenic (PMID: 11907499, 16473856). This variant is not present in population databases (gnomAD no frequency). This variant has not been reported in the literature in individuals affected with LAMC2-related conditions. ClinVar contains an entry for this variant (Variation ID: 1073365). For these reasons, this variant has been classified as Pathogenic.

Literature cited by the submitters: PubMed 11907499; PubMed 16473856.

NM_005562.3(LAMC2):c.945C>G (p.Tyr315Ter)

Gene: LAMC2 (laminin subunit gamma 2; plus strand). Cytogenetic location: 1q25.3.
Variant type: single nucleotide variant.
Coding change: c.945C>G on transcript NM_005562.3 (MANE Select); coding-DNA position 945, C replaced by G.
Protein change: p.Tyr315Ter; replaces tyrosine 315 with a stop codon.
Molecular consequence: nonsense.
Genome position (GRCh38, 1-based): chr1:183,223,316, C>G. VCF-style: chr1-183223316-C-G. GRCh37 (hg19) VCF-style: chr1-183192451-C-G.
Other names: c.945C>G, p.Tyr315Ter (NM_018891.3); short protein forms Y315*.
Identifiers: ClinVar variation 1073365 (VCV001073365.8), dbSNP rs1659531274, ClinGen allele CA343682438.